The following is an entry in ClinVar:

ClinVar aggregate classification (germline): Uncertain significance. Review status: criteria provided, multiple submitters, no conflicts (2 of 4 stars). 2 submissions from 2 submitters: Uncertain significance (2). Last evaluated 2024-11-09.

Conditions:
Inborn genetic diseases. Identifiers: MedGen C0950123, MeSH D030342.
HNSHA due to aldolase A deficiency (GSD12). Also called: GLYCOGEN STORAGE DISEASE XII; GSD XII; RED CELL ALDOLASE DEFICIENCY; Glycogen storage disease due to aldolase A deficiency. Identifiers: Orphanet 57, MedGen C0272066, MONDO:0012747, OMIM 611881.

Allele frequency attached by ClinVar (database versions not stated): ExAC 0.00001; gnomAD 0.00001; TOPMed 0.00002.
gnomAD v4.1: 4 of 1,614,034 alleles (0.00025%); highest among the groups gnomAD compares: East Asian, 0.0045%; no homozygotes.

Submissions (2):

Ambry Genetics
Classification: Uncertain significance for Inborn genetic diseases. Last evaluated: 2024-11-09. Review status: criteria provided, single submitter. Criteria: Ambry Variant Classification Scheme 2023. Collection method: clinical testing. Allele origin: germline.

Labcorp Genetics (formerly Invitae), Labcorp
Classification: Uncertain significance for HNSHA due to aldolase A deficiency. Last evaluated: 2023-09-19. Review status: criteria provided, single submitter. Criteria: Invitae Variant Classification Sherloc (09022015). Collection method: clinical testing. Allele origin: germline.
Comment: This sequence change replaces glycine, which is neutral and non-polar, with serine, which is neutral and polar, at codon 103 of the ALDOA protein (p.Gly103Ser). This variant is present in population databases (rs762797482, gnomAD 0.0008%). This variant has not been reported in the literature in individuals affected with ALDOA-related conditions. ClinVar contains an entry for this variant (Variation ID: 2153552). An algorithm developed to predict the effect of missense changes on protein structure and function (PolyPhen-2) suggests that this variant¬†is likely to be tolerated. In summary, the available evidence is currently insufficient to determine the role of this variant in disease. Therefore, it has been classified as a Variant of Uncertain Significance.

NM_001243177.4(ALDOA):c.469G>A (p.Gly157Ser)

Genes: ALDOA (aldolase, fructose-bisphosphate A; plus strand), LOC112694756 (uncharaterized LOC112694756; plus strand). Cytogenetic location: 16p11.2.
Variant type: single nucleotide variant.
Coding change: c.469G>A on transcript NM_001243177.4 (MANE Select); coding-DNA position 469, G replaced by A.
Protein change: p.Gly157Ser; replaces glycine 157 with serine.
Molecular consequence: missense variant. On other transcripts: 3 prime UTR variant (3).
Genome position (GRCh38, 1-based): chr16:30,067,644, G>A. VCF-style: chr16-30067644-G-A. GRCh37 (hg19) VCF-style: chr16-30078965-G-A.
Other names: NM_000034.3:c.307G>A; c.*816G>A (NM_001365304.2, NM_001365305.2, NM_001365307.2); c.307G>A, p.Gly103Ser (NM_001127617.2, NM_184041.5, NM_184043.2); short protein forms G103S, G157S.
Identifiers: ClinVar variation 2153552 (VCV002153552.3), dbSNP rs762797482, ClinGen allele CA8000917.